The following is an entry in ClinVar:

ClinVar aggregate classification (germline): Conflicting classifications of pathogenicity. Review status: criteria provided, conflicting classifications (1 of 4 stars). 3 submissions from 3 submitters: Likely pathogenic (1); Uncertain significance (2). Last evaluated 2026-08-25.

Conditions:
Multiple endocrine neoplasia type 2B. Also called: Multiple endocrine neoplasia, type 3; NEUROMATA, MUCOSAL, WITH ENDOCRINE TUMORS; WAGENMANN-FROBOESE SYNDROME; MULTIPLE ENDOCRINE NEOPLASIA, TYPE III; MEN 2B; MUCOSAL NEUROMA SYNDROME. Identifiers: Orphanet 247709, Orphanet 653, MedGen C0025269, MeSH D018814, MONDO:0008082, OMIM 162300.
Multiple endocrine neoplasia type 2A. Also called: Multiple Endocrine Neoplasia Type 2A (MEN2A); MULTIPLE ENDOCRINE NEOPLASIA, TYPE IIA; PTC SYNDROME; SIPPLE SYNDROME; MEN 2A; MEN-2A syndrome. Identifiers: Orphanet 247698, Orphanet 653, MedGen C0025268, MeSH D018813, MONDO:0008234, OMIM 171400.
Hereditary cancer-predisposing syndrome. Also called: Tumor predisposition; Hereditary Cancer Syndrome; Hereditary neoplastic syndrome; Neoplastic Syndromes, Hereditary. Identifiers: Orphanet 140162, MedGen C0027672, MeSH D009386, MONDO:0015356.
Multiple endocrine neoplasia, type 2 (MEN2). Identifiers: Orphanet 653, MedGen C4048306, MONDO:0019003. Disease mechanism: gain of function.

Submissions (3):

Ambry Genetics
Classification: Uncertain significance for Hereditary cancer-predisposing syndrome. Last evaluated: 2026-08-25. Review status: criteria provided, single submitter. Criteria: Ambry Variant Classification Scheme 2023. Collection method: clinical testing. Allele origin: germline.
Comment: The c.3222dupT variant, located in coding exon 20 of the RET gene, results from a duplication of T at nucleotide position 3222, causing a translational frameshift with a predicted alternate stop codon (p.V1075Cfs*7). This variant occurs at the 3' terminus of the gene, is not expected to trigger nonsense-mediated mRNAdecay, and impacts the last 3.6% of the protein. The exact functional effect of this variant is unknown. Based on the available evidence, the clinical significance of this variant remains unclear.

Labcorp Genetics (formerly Invitae), Labcorp
Classification: Uncertain significance for Multiple endocrine neoplasia, type 2. Last evaluated: 2023-04-24. Review status: criteria provided, single submitter. Criteria: Invitae Variant Classification Sherloc (09022015). Collection method: clinical testing. Allele origin: germline.
Comment: In summary, the available evidence is currently insufficient to determine the role of this variant in disease. Therefore, it has been classified as a Variant of Uncertain Significance. ClinVar contains an entry for this variant (Variation ID: 979070). This variant has not been reported in the literature in individuals affected with RET-related conditions. This variant is not present in population databases (gnomAD no frequency). This sequence change creates a premature translational stop signal (p.Val1075Cysfs*7) in the RET gene. While this is not anticipated to result in nonsense mediated decay, it is expected to disrupt the last 40 amino acid(s) of the RET protein.

Human Genome Sequencing Center Clinical Lab, Baylor College of Medicine
Classification: Likely pathogenic for Multiple endocrine neoplasia 2A; Multiple endocrine neoplasia 2B. Last evaluated: 2018-10-12. Review status: criteria provided, single submitter. Criteria: ACMG Guidelines, 2015. Collection method: clinical testing. Allele origin: germline.
Comment: The c.3222dupT (p.Valu1075Cysfs*7) variant in the RET gene is predicted to introduce a premature translation termination codon. RET is an oncogene and cause multiple endocrine neoplasia through gain-of-function mechanism. Loss-of-function of RET has been reported to be associated with Hirschsprung disesae and possibly renal abnormalities (PMID: 18252215). The RET gene has a pLI score of 1, suggesting this gene is intolerant to loss-of-function variants. This variant has not been reported in the gnomAD database. Therefore, the c.3222dupT (p.Valu1075Cysfs*7) variant in the RET gene is classified as likely pathogenic for Hirschsprung disease, but a variant of unknown significance for MEN type 2A/B and Familial Medullary Thyroid cancer.

NM_020975.6(RET):c.3222dup (p.Val1075fs)

Gene: RET (ret proto-oncogene; plus strand). Cytogenetic location: 10q11.21.
Variant type: Duplication.
Coding change: c.3222dup on transcript NM_020975.6 (MANE Select); coding-DNA position 3222, one base duplicated (T; older notation c.3222dupT).
Protein change: p.Val1075fs; shifts the reading frame from valine 1075.
Molecular consequence: frameshift variant.
Genome position (GRCh38, 1-based): chr10:43,128,146, T duplicated. VCF-style (leftmost placement, unchanged base first): chr10-43128145-C-CT. GRCh37 (hg19) VCF-style: chr10-43623593-C-CT.
Other names: short protein forms V1075fs.
Identifiers: ClinVar variation 979070 (VCV000979070.9), dbSNP rs1838374810, ClinGen allele CA913188325.
Genomic context (GRCh38, chr10:43,128,145, plus strand): 5'-GAACAAATGATCTGTTTTCATTTTTAGGCATGTCAGACCCGAACTGGCCTGGAGAGAGTC[C>CT]TGTACCACTCACGAGAGCTGATGGCACTAACACTGGGTTTCCAAGATATCCAAATGATAG-3'